The following is an entry in ClinVar:

ClinVar aggregate classification (germline): Uncertain significance (1 of 4 stars; one submission).

Allele frequency attached by ClinVar (database versions not stated): TOPMed below 0.00001; gnomAD 0.00001.

Submission:

GeneDx
Classification: Uncertain significance. Last evaluated: 2022-10-24. Review status: criteria provided, single submitter. Criteria: GeneDx Variant Classification Process June 2021. Collection method: clinical testing. Allele origin: germline. Affected: yes.
Comment: Not observed at significant frequency in large population cohorts (gnomAD); In silico analysis supports that this missense variant does not alter protein structure/function; Has not been previously published as pathogenic or benign to our knowledge

NM_001379200.1(TBX1):c.73A>T (p.Ser25Cys)

Gene: TBX1 (T-box transcription factor 1; plus strand). Cytogenetic location: 22q11.21.
Variant type: single nucleotide variant.
Coding change: c.73A>T on transcript NM_001379200.1 (MANE Select); coding-DNA position 73, A replaced by T.
Protein change: p.Ser25Cys; replaces serine 25 with cysteine.
Molecular consequence: missense variant.
Genome position (GRCh38, 1-based): chr22:19,760,916, A>T. VCF-style: chr22-19760916-A-T. GRCh37 (hg19) VCF-style: chr22-19748439-A-T.
Other names: c.46A>T, p.Ser16Cys (NM_005992.1, NM_080646.2, NM_080647.1); short protein forms S16C, S25C.
Identifiers: ClinVar variation 2499798 (VCV002499798.1), dbSNP rs1241807451, ClinGen allele CA410681093.